The following is an entry in ClinVar:

ClinVar aggregate classification (germline): Pathogenic (1 of 4 stars; one submission).

Conditions:
Hereditary cancer-predisposing syndrome. Also called: Tumor predisposition; Hereditary Cancer Syndrome; Neoplastic Syndromes, Hereditary; Hereditary neoplastic syndrome. Identifiers: Orphanet 140162, MedGen C0027672, MeSH D009386, MONDO:0015356.

Submission:

Ambry Genetics
Classification: Pathogenic for Hereditary cancer-predisposing syndrome. Last evaluated: 2020-04-23. Review status: criteria provided, single submitter. Criteria: Ambry Variant Classification Scheme 2023. Collection method: clinical testing. Allele origin: germline.
Comment: The c.2837_2838delTCinsA variant, located in coding exon 9 of the BRCA1 gene, results from the deletion of two nucleotides and insertion of one nucleotide causing a translational frameshift with a predicted alternate stop codon (p.I946Kfs*54). This alteration is expected to result in loss of function by premature protein truncation or nonsense-mediated mRNA decay. As such, this alteration is interpreted as a disease-causing mutation.

NM_007294.4(BRCA1):c.2837_2838delinsA (p.Ile946fs)

Gene: BRCA1 (BRCA1 DNA repair associated; minus strand). Cytogenetic location: 17q21.31.
Variant type: Indel.
Coding change: c.2837_2838delinsA on transcript NM_007294.4 (MANE Select); coding-DNA positions 2837 to 2838, TC replaced by A.
Protein change: p.Ile946fs; shifts the reading frame from isoleucine 946.
Molecular consequence: frameshift variant. On other transcripts: intron variant (137).
Genome position (GRCh38, 1-based): chr17:43,092,693-43,092,694, GA replaced by T on the plus strand (TC replaced by A on the coding strand, the reverse complement: BRCA1 is on the minus strand). VCF-style: chr17-43092693-GA-T. GRCh37 (hg19) VCF-style: chr17-41244710-GA-T.
Other names: c.647-1662_647-1661delinsA (NM_001408469.1, NM_001408453.1, NM_001408461.1 and 11 more transcripts); c.785-1662_785-1661delinsA (NM_001408397.1, NM_001408401.1, NM_001408396.1 and 13 more transcripts); c.665-1662_665-1661delinsA (NM_001408436.1, NM_001408444.1, NM_001408438.1 and 12 more transcripts); c.788-1662_788-1661delinsA (NM_001407980.1, NM_001407993.1, NM_001407976.1 and 17 more transcripts); c.653-1662_653-1661delinsA (NM_001408451.1); c.644-1662_644-1661delinsA (NM_001408464.1, NM_001408468.1, NM_001408465.1 and 3 more transcripts); c.524-1662_524-1661delinsA (NM_001408498.1, NM_001408501.1, NM_001408500.1 and 3 more transcripts); c.584-1662_584-1661delinsA (NM_001408475.1); and 41 more; short protein forms I899fs, I946fs, I819fs, I857fs, I878fs, I898fs, I905fs, I945fs.
Identifiers: ClinVar variation 1796650 (VCV001796650.2), dbSNP rs2552182879, ClinGen allele CA2580093953.